The following is an entry in ClinVar:

NM_000017.4(ACADS):c.1029+6del

Gene: ACADS (acyl-CoA dehydrogenase short chain; plus strand). Cytogenetic location: 12q24.31.
Variant type: Deletion.
Coding change: c.1029+6del on transcript NM_000017.4 (MANE Select); 6 bases into the intron after coding-DNA position 1029, one base deleted (C; older notation c.1029+6delC).
Molecular consequence: intron variant.
Genome position (GRCh38, 1-based): chr12:120,738,921, C deleted; the last of 3 consecutive C bases (chr12:120,738,919-120,738,921); deleting any one gives the same sequence. VCF-style (leftmost placement, unchanged base first): chr12-120738918-GC-G. GRCh37 (hg19) VCF-style: chr12-121176721-GC-G.
Other names: c.1017+6del (NM_001302554.2).
Identifiers: ClinVar variation 3676853 (VCV003676853.2).

ClinVar aggregate classification (germline): Uncertain significance (1 of 4 stars; one submission).

Conditions:
Deficiency of butyryl-CoA dehydrogenase (ACADSD). Also called: SCADH DEFICIENCY; SCAD Deficiency; ACADS DEFICIENCY; Short-Chain Acyl-CoA Dehydrogenase Deficiency; SCAD DEFICIENCY, MILD; ACYL-CoA DEHYDROGENASE, SHORT-CHAIN, DEFICIENCY OF. Identifiers: Orphanet 26792, MedGen C0342783, MONDO:0008722, OMIM 201470. Disease mechanism: May be benign.

Submission:

Labcorp Genetics (formerly Invitae), Labcorp
Classification: Uncertain significance for Deficiency of butyryl-CoA dehydrogenase. Last evaluated: 2024-10-17. Review status: criteria provided, single submitter. Criteria: Invitae Variant Classification Sherloc (09022015). Collection method: clinical testing. Allele origin: germline.
Comment: This sequence change falls in intron 8 of the ACADS gene. It does not directly change the encoded amino acid sequence of the ACADS protein. It affects a nucleotide within the consensus splice site. This variant is not present in population databases (gnomAD no frequency). This variant has not been reported in the literature in individuals affected with ACADS-related conditions. Variants that disrupt the consensus splice site are a relatively common cause of aberrant splicing (PMID: 17576681, 9536098). Algorithms developed to predict the effect of sequence changes on RNA splicing suggest that this variant is not likely to affect RNA splicing. In summary, the available evidence is currently insufficient to determine the role of this variant in disease. Therefore, it has been classified as a Variant of Uncertain Significance.

Literature cited by the submitters: PubMed 17576681; PubMed 9536098.